The following is an entry in ClinVar:

ClinVar aggregate classification (germline): Uncertain significance (1 of 4 stars; one submission).

Allele frequency attached by ClinVar (database versions not stated): gnomAD exomes below 0.00001; TOPMed below 0.00001.
gnomAD v4.1: 2 of 1,612,186 alleles (0.00012%); highest among the groups gnomAD compares: Non-Finnish European, 0.00017%; no homozygotes.

Submission:

Labcorp Genetics (formerly Invitae), Labcorp
Classification: Uncertain significance. Last evaluated: 2024-10-17. Review status: criteria provided, single submitter. Criteria: Invitae Variant Classification Sherloc (09022015). Collection method: clinical testing. Allele origin: germline.
Comment: This sequence change replaces isoleucine, which is neutral and non-polar, with methionine, which is neutral and non-polar, at codon 382 of the IL6R protein (p.Ile382Met). This variant is not present in population databases (gnomAD no frequency). This variant has not been reported in the literature in individuals affected with IL6R-related conditions. ClinVar contains an entry for this variant (Variation ID: 1461817). An algorithm developed to predict the effect of missense changes on protein structure and function (PolyPhen-2) suggests that this variant is likely to be disruptive. In summary, the available evidence is currently insufficient to determine the role of this variant in disease. Therefore, it has been classified as a Variant of Uncertain Significance.

NM_000565.4(IL6R):c.1146T>G (p.Ile382Met)

Gene: IL6R (interleukin 6 receptor; plus strand). Cytogenetic location: 1q21.3.
Variant type: single nucleotide variant.
Coding change: c.1146T>G on transcript NM_000565.4 (MANE Select); coding-DNA position 1146, T replaced by G.
Protein change: p.Ile382Met; replaces isoleucine 382 with methionine.
Molecular consequence: missense variant. On other transcripts: intron variant (2).
Genome position (GRCh38, 1-based): chr1:154,454,567, T>G. VCF-style: chr1-154454567-T-G. GRCh37 (hg19) VCF-style: chr1-154427043-T-G.
Other names: c.1245T>G, p.Ile415Met (NM_001382769.1); c.1239T>G, p.Ile413Met (NM_001382770.1); c.1194T>G, p.Ile398Met (NM_001382771.1); c.1140T>G, p.Ile380Met (NM_001382772.1); c.786T>G, p.Ile262Met (NM_001382774.1); c.1114+4587T>G (NM_001382773.1); c.1066+4587T>G (NM_181359.3); short protein forms I413M, I415M, I380M, I398M, I262M, I382M.
Identifiers: ClinVar variation 1461817 (VCV001461817.6), dbSNP rs367961787, ClinGen allele CA30809784.